The following is an entry in ClinVar:

NM_001875.5(CPS1):c.2192+6A>T

Gene: CPS1 (carbamoyl-phosphate synthase 1; plus strand). Cytogenetic location: 2q34.
Variant type: single nucleotide variant.
Coding change: c.2192+6A>T on transcript NM_001875.5 (MANE Select); 6 bases into the intron after coding-DNA position 2192, A replaced by T.
Molecular consequence: intron variant.
Genome position (GRCh38, 1-based): chr2:210,606,947, A>T. VCF-style: chr2-210606947-A-T. GRCh37 (hg19) VCF-style: chr2-211471671-A-T.
Other names: c.2192+6A>T (LRG_336t1, NM_001369257.1, NM_001122633.3); c.2225+6A>T (NM_001369256.1).
Identifiers: ClinVar variation 334025 (VCV000334025.19), dbSNP rs201058019, ClinGen allele CA2086561.

ClinVar aggregate classification (germline): Conflicting classifications of pathogenicity. Review status: criteria provided, conflicting classifications (1 of 4 stars). 6 submissions from 6 submitters: Uncertain significance (2); Likely benign (2). 2 of the submissions do not count toward it. Last evaluated 2026-01-25.

Conditions:
CPS1-related disorder. Also called: CPS1-related condition.
Inborn genetic diseases. Identifiers: MedGen C0950123, MeSH D030342.
Congenital hyperammonemia, type I. Also called: CPS I DEFICIENCY; Carbamoyl phosphate synthetase 1 deficiency; Hyperammonemia due to carbamoyl phosphate synthetase 1 deficiency; CPS 1 deficiency; Carbamyl phosphate synthetase (CPS) deficiency; Carbamoyl phosphate synthetase I deficiency disease. Identifiers: Orphanet 147, MedGen C4082171, MONDO:0009376, OMIM 237300.

Allele frequency attached by ClinVar (database versions not stated): 1000 Genomes Project 30x 0.00016; 1000 Genomes Project 0.00020; ESP Exome Variant Server 0.00046; ExAC 0.00057; gnomAD exomes 0.00057 and 0.00129; TOPMed 0.00067; gnomAD 0.00076 and 0.00081.
gnomAD v4.1: 1,975 of 1,609,774 alleles (0.12%); highest among the groups gnomAD compares: Non-Finnish European, 0.16%; 2 homozygotes.

Submissions (6):

Labcorp Genetics (formerly Invitae), Labcorp
Classification: Likely benign for Congenital hyperammonemia, type I. Last evaluated: 2026-01-25. Review status: criteria provided, single submitter. Criteria: Invitae Variant Classification Sherloc (09022015). Collection method: clinical testing. Allele origin: germline.

Ambry Genetics
Classification: Uncertain significance for Inborn genetic diseases. Last evaluated: 2021-11-16. Review status: criteria provided, single submitter. Criteria: Ambry Variant Classification Scheme 2023. Collection method: clinical testing. Allele origin: germline.
Comment: The c.2192+6A>T intronic alteration consists of a A to T substitution nucleotides after coding exon 18 in the CPS1 gene. Based on insufficient or conflicting evidence, the clinical significance of this alteration remains unclear.

Illumina Laboratory Services, Illumina
Classification: Uncertain significance for Congenital hyperammonemia, type I. Last evaluated: 2018-01-12. Review status: criteria provided, single submitter. Criteria: ICSL Variant Classification Criteria 13 December 2019. Collection method: clinical testing. Allele origin: germline.

GeneDx
Classification: Likely benign. Last evaluated: 2016-11-30. Review status: criteria provided, single submitter. Criteria: GeneDx Variant Classification (06012015). Collection method: clinical testing. Allele origin: germline. Affected: yes.
Comment: This variant is considered likely benign or benign based on one or more of the following criteria: it is a conservative change, it occurs at a poorly conserved position in the protein, it is predicted to be benign by multiple in silico algorithms, and/or has population frequency not consistent with disease.

PreventionGenetics, part of Exact Sciences
Classification: Likely benign for CPS1-related condition. Last evaluated: 2020-01-29. Review status: no assertion criteria provided. Collection method: clinical testing. Allele origin: germline. Not counted in ClinVar's aggregate classification.
Comment: This variant is classified as likely benign based on ACMG/AMP sequence variant interpretation guidelines (Richards et al. 2015 PMID: 25741868, with internal and published modifications).

Natera, Inc.
Classification: Uncertain significance for Carbamoyl-phosphate synthase I deficiency. Last evaluated: 2020-01-24. Review status: no assertion criteria provided. Collection method: clinical testing. Allele origin: germline. Not counted in ClinVar's aggregate classification.